The following is an entry in ClinVar:

ClinVar aggregate classification (germline): Likely benign. Review status: criteria provided, multiple submitters, no conflicts (2 of 4 stars). 2 submissions from 2 submitters: Likely benign (2). Last evaluated 2023-04-01.

Allele frequency attached by ClinVar (database versions not stated): gnomAD 0.00002 and 0.00003; TOPMed 0.00005.
gnomAD v4.1: 63 of 1,613,586 alleles (0.0039%); highest among the groups gnomAD compares: South Asian, 0.0066%; no homozygotes.

Submissions (2):

CeGaT Center for Human Genetics Tuebingen
Classification: Likely benign. Last evaluated: 2023-04-01. Review status: criteria provided, single submitter. Criteria: CeGaT Center For Human Genetics Tuebingen Variant Classification Criteria Version 2. Collection method: clinical testing. Allele origin: germline. Affected: yes. Observed: 1 variant allele.
Comment: HDAC4: BP4, BP7

Labcorp Genetics (formerly Invitae), Labcorp
Classification: Likely benign. Last evaluated: 2022-07-12. Review status: criteria provided, single submitter. Criteria: Invitae Variant Classification Sherloc (09022015). Collection method: clinical testing. Allele origin: germline.

NM_001378414.1(HDAC4):c.1227G>A (p.Ala409=)

Gene: HDAC4 (histone deacetylase 4; minus strand). Cytogenetic location: 2q37.3.
Variant type: single nucleotide variant.
Coding change: c.1227G>A on transcript NM_001378414.1 (MANE Select); coding-DNA position 1227, G replaced by A.
Protein change: p.Ala409=; no amino-acid change (alanine 409 retained).
Molecular consequence: synonymous variant.
Genome position (GRCh38, 1-based): chr2:239,134,312, C>T on the plus strand (G>A on the coding strand, the complement: HDAC4 is on the minus strand). VCF-style: chr2-239134312-C-T. GRCh37 (hg19) VCF-style: chr2-240056008-C-T.
Other names: c.1227G>A, p.Ala409= (NM_001378415.1, NM_001378416.1, NM_001378417.1 and 1 more transcripts).
Identifiers: ClinVar variation 1586751 (VCV001586751.32), dbSNP rs768442788, ClinGen allele CA2199872.